The following is an entry in ClinVar:

NM_001999.4(FBN2):c.3565C>T (p.His1189Tyr)

Gene: FBN2 (fibrillin 2; minus strand). Cytogenetic location: 5q23.3.
Variant type: single nucleotide variant.
Coding change: c.3565C>T on transcript NM_001999.4 (MANE Select); coding-DNA position 3565, C replaced by T.
Protein change: p.His1189Tyr; replaces histidine 1189 with tyrosine.
Molecular consequence: missense variant.
Genome position (GRCh38, 1-based): chr5:128,338,030, G>A on the plus strand (C>T on the coding strand, the complement: FBN2 is on the minus strand). VCF-style: chr5-128338030-G-A. GRCh37 (hg19) VCF-style: chr5-127673722-G-A.
Other names: short protein forms H1189Y.
Identifiers: ClinVar variation 213399 (VCV000213399.12), dbSNP rs779690646, ClinGen allele CA324034.

ClinVar aggregate classification (germline): Uncertain significance. Review status: criteria provided, multiple submitters, no conflicts (2 of 4 stars). 3 submissions from 3 submitters: Uncertain significance (2). 1 of the submissions does not count toward it. Last evaluated 2025-08-14.

Conditions:
FBN2-related disorder. Also called: FBN2-related condition.
Congenital contractural arachnodactyly (CCA). Also called: Beals-Hecht syndrome; BEALS SYNDROME; Arthrogryposis, distal, type 9. Identifiers: Orphanet 115, MedGen C0220668, MONDO:0007363, OMIM 121050.

Allele frequency attached by ClinVar (database versions not stated): TOPMed below 0.00001; gnomAD 0.00001; gnomAD exomes 0.00001 and 0.00002; ExAC 0.00002.
gnomAD v4.1: 16 of 1,614,160 alleles (0.00099%); highest among the groups gnomAD compares: Middle Eastern, 0.016%; no homozygotes.

Submissions (3):

Labcorp Genetics (formerly Invitae), Labcorp
Classification: Uncertain significance for Congenital contractural arachnodactyly. Last evaluated: 2025-08-14. Review status: criteria provided, single submitter. Criteria: Invitae Variant Classification Sherloc (09022015). Collection method: clinical testing. Allele origin: germline.
Comment: This sequence change replaces histidine, which is basic and polar, with tyrosine, which is neutral and polar, at codon 1189 of the FBN2 protein (p.His1189Tyr). This variant is present in population databases (rs779690646, gnomAD 0.004%). This variant has not been reported in the literature in individuals affected with FBN2-related conditions. ClinVar contains an entry for this variant (Variation ID: 213399). Invitae Evidence Modeling of protein sequence and biophysical properties (such as structural, functional, and spatial information, amino acid conservation, physicochemical variation, residue mobility, and thermodynamic stability) indicates that this missense variant is not expected to disrupt FBN2 protein function with a negative predictive value of 80%. In summary, the available evidence is currently insufficient to determine the role of this variant in disease. Therefore, it has been classified as a Variant of Uncertain Significance.

GeneDx
Classification: Uncertain significance. Last evaluated: 2019-12-04. Review status: criteria provided, single submitter. Criteria: GeneDx Variant Classification Process June 2021. Collection method: clinical testing. Allele origin: germline. Affected: yes.
Comment: Has not been previously published as pathogenic or benign to our knowledge; Reported in ClinVar as a variant of uncertain significance (ClinVar Variant ID# 213399; Landrum et al., 2016); In silico analysis, which includes protein predictors and evolutionary conservation, supports a deleterious effect; Although located in a calcium-binding EGF-like domain of the FBN2 gene, it does not affect a cysteine residue within this domain; cysteine substitutions in the calcium-binding EGF-like domains represent the majority of pathogenic missense changes associated with FBN2-related disorders (Collod-Beroud et al., 2003; Frederic et al., 2009)

PreventionGenetics, part of Exact Sciences
Classification: Uncertain significance for FBN2-related condition. Last evaluated: 2024-07-22. Review status: no assertion criteria provided. Collection method: clinical testing. Allele origin: germline. Not counted in ClinVar's aggregate classification.
Comment: The FBN2 c.3565C>T variant is predicted to result in the amino acid substitution p.His1189Tyr. This variant has been reported as a variant of uncertain significance in an individual with incomplete classical Ehlers–Danlos syndrome, who was later found to have an additional causative variant in COL5A1 gene (Ritelli et al. 2020. PubMed ID: 32720758). This variant is reported in 0.0046% of alleles in individuals of European (Non-Finnish) descent in gnomAD. At this time, the clinical significance of this variant is uncertain due to the absence of conclusive functional and genetic evidence.